The following is an entry in ClinVar:

ClinVar aggregate classification (germline): Pathogenic (1 of 4 stars; one submission).

Submission:

GeneDx
Classification: Pathogenic. Last evaluated: 2015-12-10. Review status: criteria provided, single submitter. Criteria: GeneDx Variant Classification (06012015). Collection method: clinical testing. Allele origin: germline. Affected: yes.
Comment: The c.2708-2A>G pathogenic variant in the OPA1 gene has been has not been reported previously as a pathogenic variant nor as a benign variant, to our knowledge. This splice site variant destroys the canonical splice acceptor site in intron 26. It is predicted to cause abnormal gene splicing, either leading to an abnormal message that is subject to nonsense-mediated mRNA decay, or to an abnormal protein product if the message is used for protein translation. The c.2708-2A>G variant was not observed in approximately 6500 individuals of European and African American ancestry in the NHLBI Exome Sequencing Project, indicating it is not a common benign variant in these populations.

NM_130837.3(OPA1):c.2873-2A>G

Gene: OPA1 (OPA1 mitochondrial dynamin like GTPase; plus strand). Cytogenetic location: 3q29.
Variant type: single nucleotide variant.
Coding change: c.2873-2A>G on transcript NM_130837.3 (MANE Select); the canonical splice acceptor site of the intron before coding-DNA position 2873, A replaced by G.
Molecular consequence: splice acceptor variant.
Genome position (GRCh38, 1-based): chr3:193,667,168, A>G. VCF-style: chr3-193667168-A-G. GRCh37 (hg19) VCF-style: chr3-193384957-A-G.
Other names: c.2336-2A>G (NM_001354664.2); c.2339-2A>G (NM_001354663.2); c.2762-2A>G (NM_130834.3); c.2819-2A>G (NM_130836.3); c.2708-2A>G (NM_015560.3); c.2765-2A>G (NM_130835.3); c.2654-2A>G (NM_130832.3); c.2711-2A>G (NM_130833.3); and 1 more.
Identifiers: ClinVar variation 280187 (VCV000280187.2), dbSNP rs886041438, ClinGen allele CA10602885.